The following is an entry in ClinVar:

NM_001184.4(ATR):c.4703A>G (p.Asp1568Gly)

Gene: ATR (ATR checkpoint kinase; minus strand). Cytogenetic location: 3q23.
Variant type: single nucleotide variant.
Coding change: c.4703A>G on transcript NM_001184.4 (MANE Select); coding-DNA position 4703, A replaced by G.
Protein change: p.Asp1568Gly; replaces aspartic acid 1568 with glycine.
Molecular consequence: missense variant.
Genome position (GRCh38, 1-based): chr3:142,512,409, T>C on the plus strand (A>G on the coding strand, the complement: ATR is on the minus strand). VCF-style: chr3-142512409-T-C. GRCh37 (hg19) VCF-style: chr3-142231251-T-C.
Other names: c.4511A>G, p.Asp1504Gly (NM_001354579.2); short protein forms D1504G, D1568G.
Identifiers: ClinVar variation 3221178 (VCV003221178.1), dbSNP rs929755679, ClinGen allele CA84718532.

ClinVar aggregate classification (germline): Uncertain significance (1 of 4 stars; one submission).

Conditions:
Inborn genetic diseases. Identifiers: MedGen C0950123, MeSH D030342.

Allele frequency attached by ClinVar (database versions not stated): TOPMed below 0.00001.

Submission:

Ambry Genetics
Classification: Uncertain significance for Inborn genetic diseases. Last evaluated: 2023-11-23. Review status: criteria provided, single submitter. Criteria: Ambry Variant Classification Scheme 2023. Collection method: clinical testing. Allele origin: germline.
Comment: The p.D1568G variant (also known as c.4703A>G), located in coding exon 27 of the ATR gene, results from an A to G substitution at nucleotide position 4703. The aspartic acid at codon 1568 is replaced by glycine, an amino acid with similar properties. This amino acid position is conserved. In addition, this alteration is predicted to be tolerated by in silico analysis. Since supporting evidence is limited at this time, the clinical significance of this alteration remains unclear.